The following is an entry in ClinVar:

NM_000179.3(MSH6):c.4021G>A (p.Glu1341Lys)

Gene: MSH6 (mutS homolog 6; plus strand). Cytogenetic location: 2p16.3.
Variant type: single nucleotide variant.
Coding change: c.4021G>A on transcript NM_000179.3 (MANE Select); coding-DNA position 4021, G replaced by A.
Protein change: p.Glu1341Lys; replaces glutamic acid 1341 with lysine.
Molecular consequence: missense variant.
Genome position (GRCh38, 1-based): chr2:47,806,798, G>A. VCF-style: chr2-47806798-G-A. GRCh37 (hg19) VCF-style: chr2-48033937-G-A.
Other names: c.3631G>A, p.Glu1211Lys (NM_001281492.2); c.3115G>A, p.Glu1039Lys (NM_001281493.2, NM_001281494.2, NM_001406811.1 and 6 more transcripts); c.4117G>A, p.Glu1373Lys (NM_001406795.1); c.4021G>A, p.Glu1341Lys (NM_001406796.1, NM_001406809.1); c.3724G>A, p.Glu1242Lys (NM_001406797.1, NM_001406805.1, NM_001406818.1 and 8 more transcripts); c.3847G>A, p.Glu1283Lys (NM_001406798.1); c.3496G>A, p.Glu1166Lys (NM_001406799.1, NM_001406806.1, NM_001406807.1); c.*42G>A (NM_001406800.1); and 9 more; short protein forms E1166K, E1343K, E1373K, E1039K, E1211K, E1315K, E1341K, E819K.
Identifiers: ClinVar variation 1737119 (VCV001737119.2), dbSNP rs2530893443, ClinGen allele CA16621983.

ClinVar aggregate classification (germline): Uncertain significance (1 of 4 stars; one submission).

Conditions:
Hereditary cancer-predisposing syndrome. Also called: Neoplastic Syndromes, Hereditary; Tumor predisposition; Hereditary Cancer Syndrome; Hereditary neoplastic syndrome. Identifiers: Orphanet 140162, MedGen C0027672, MeSH D009386, MONDO:0015356.

Allele frequency attached by ClinVar (database versions not stated): gnomAD exomes below 0.00001.
gnomAD v4.1: 1 of 1,593,958 alleles (0.000063%); no homozygotes.

Submission:

Ambry Genetics
Classification: Uncertain significance for Hereditary cancer-predisposing syndrome. Last evaluated: 2022-03-17. Review status: criteria provided, single submitter. Criteria: Ambry Variant Classification Scheme 2023. Collection method: clinical testing. Allele origin: germline.
Comment: The p.E1341K variant (also known as c.4021G>A), located in coding exon 10 of the MSH6 gene, results from a G to A substitution at nucleotide position 4021. The glutamic acid at codon 1341 is replaced by lysine, an amino acid with similar properties. This amino acid position is highly conserved in available vertebrate species. In addition, this alteration is predicted to be deleterious by in silico analysis. In addition, the CoDP in silico tool predicts this alteration to have minor impact on molecular function, with a score of 0.001 (Terui H et al. J. Biomed. Sci. 2013 Apr;20:25). Since supporting evidence is limited at this time, the clinical significance of this alteration remains unclear.